The following is an entry in ClinVar:

ClinVar aggregate classification (germline): Pathogenic (1 of 4 stars; one submission).

Conditions:
Spastic paraplegia. Identifiers: MedGen C0037772, HP:0001258.

Allele frequency attached by ClinVar (database versions not stated): gnomAD exomes below 0.00001.

Submission:

Labcorp Genetics (formerly Invitae), Labcorp
Classification: Pathogenic for Spastic paraplegia. Last evaluated: 2023-04-07. Review status: criteria provided, single submitter. Criteria: Invitae Variant Classification Sherloc (09022015). Collection method: clinical testing. Allele origin: germline.
Comment: This variant has not been reported in the literature in individuals affected with ZFYVE26-related conditions. For these reasons, this variant has been classified as Pathogenic. ClinVar contains an entry for this variant (Variation ID: 1076370). This variant is present in population databases (no rsID available, gnomAD 0.003%). This sequence change creates a premature translational stop signal (p.Ile1061Thrfs*12) in the ZFYVE26 gene. It is expected to result in an absent or disrupted protein product. Loss-of-function variants in ZFYVE26 are known to be pathogenic (PMID: 18394578, 19805727).

Literature cited by the submitters: PubMed 18394578; PubMed 19805727.

NM_015346.4(ZFYVE26):c.3182del (p.Ile1061fs)

Gene: ZFYVE26 (zinc finger FYVE-type containing 26; minus strand). Cytogenetic location: 14q24.1.
Variant type: Deletion.
Coding change: c.3182del on transcript NM_015346.4 (MANE Select); coding-DNA position 3182, one base deleted (T; older notation c.3182delT).
Protein change: p.Ile1061fs; shifts the reading frame from isoleucine 1061.
Molecular consequence: frameshift variant.
Genome position (GRCh38, 1-based): chr14:67,785,980, A deleted on the plus strand (T on the coding strand, the reverse complement: ZFYVE26 is on the minus strand). VCF-style (leftmost placement, unchanged base first): chr14-67785979-GA-G. GRCh37 (hg19) VCF-style: chr14-68252696-GA-G.
Other names: short protein forms I1061fs.
Identifiers: ClinVar variation 1076370 (VCV001076370.8), dbSNP rs1257825464, ClinGen allele CA615188465.